The following is an entry in ClinVar:

NM_000179.3(MSH6):c.3556+6T>G

Gene: MSH6 (mutS homolog 6; plus strand). Cytogenetic location: 2p16.3.
Variant type: single nucleotide variant.
Coding change: c.3556+6T>G on transcript NM_000179.3 (MANE Select); 6 bases into the intron after coding-DNA position 3556, T replaced by G.
Molecular consequence: intron variant.
Genome position (GRCh38, 1-based): chr2:47,805,033, T>G. VCF-style: chr2-47805033-T-G. GRCh37 (hg19) VCF-style: chr2-48032172-T-G.
Other names: c.2650+6T>G (NM_001281493.2, NM_001281494.2); c.3166+6T>G (NM_001281492.2).
Identifiers: ClinVar variation 455269 (VCV000455269.17), dbSNP rs767210715, ClinGen allele CA071282.

ClinVar aggregate classification (germline): Conflicting classifications of pathogenicity. Review status: criteria provided, conflicting classifications (1 of 4 stars). 3 submissions from 3 submitters: Uncertain significance (2); Likely benign (1). Last evaluated 2025-11-24.

Conditions:
Hereditary nonpolyposis colorectal neoplasms. Identifiers: MedGen C0009405, MeSH D003123.
Hereditary cancer-predisposing syndrome. Also called: Hereditary Cancer Syndrome; Hereditary neoplastic syndrome; Neoplastic Syndromes, Hereditary; Tumor predisposition. Identifiers: Orphanet 140162, MedGen C0027672, MeSH D009386, MONDO:0015356.
Lynch syndrome. Identifiers: Orphanet 144, MedGen C4552100, MONDO:0005835. Disease mechanism: loss of function.

Allele frequency attached by ClinVar (database versions not stated): gnomAD exomes below 0.00001 and 0.00001; ExAC 0.00001.
gnomAD v4.1: 2 of 1,595,326 alleles (0.00013%); highest among the groups gnomAD compares: East Asian, 0.0045%; no homozygotes.

Submissions (3):

Labcorp Genetics (formerly Invitae), Labcorp
Classification: Likely benign for Hereditary nonpolyposis colorectal neoplasms. Last evaluated: 2025-11-24. Review status: criteria provided, single submitter. Criteria: Invitae Variant Classification Sherloc (09022015). Collection method: clinical testing. Allele origin: germline.

All of Us Research Program, National Institutes of Health
Classification: Uncertain significance for Lynch syndrome. Last evaluated: 2023-10-06. Review status: criteria provided, single submitter. Criteria: ACMG Guidelines, 2015. Collection method: clinical testing. Allele origin: germline. Inheritance: Autosomal dominant inheritance. Observed: 1 variant allele, 1 heterozygote.
Comment: This variant causes a T to G nucleotide substitution at the +6 position of intron 6 of the MSH6 gene. Splice site prediction tools suggest that this variant may not impact RNA splicing. To our knowledge, functional studies have not been reported for this variant. This variant has not been reported in individuals affected with MSH6-related disorders in the literature. This variant has been identified in 3/250944 chromosomes in the general population by the Genome Aggregation Database (gnomAD). The available evidence is insufficient to determine the role of this variant in disease conclusively. Therefore, this variant is classified as a Variant of Uncertain Significance.

This study involves interpretation of variants in research participants for the purpose of population health screening. Participant phenotype was not available at the time of variant classification. Additional details can be found in publication PMID: 35346344, PMCID: PMC8962531

Color Diagnostics, LLC DBA Color Health
Classification: Uncertain significance for Hereditary cancer-predisposing syndrome. Last evaluated: 2023-09-14. Review status: criteria provided, single submitter. Criteria: ACMG Guidelines, 2015. Collection method: clinical testing. Allele origin: germline.
Comment: This variant causes a T to G nucleotide substitution at the +6 position of intron 6 of the MSH6 gene. Splice site prediction tools suggest that this variant may not impact RNA splicing. To our knowledge, functional studies have not been reported for this variant. This variant has not been reported in individuals affected with MSH6-related disorders in the literature. This variant has been identified in 3/250944 chromosomes in the general population by the Genome Aggregation Database (gnomAD). The available evidence is insufficient to determine the role of this variant in disease conclusively. Therefore, this variant is classified as a Variant of Uncertain Significance.